The following is an entry in ClinVar:

NM_001005242.3(PKP2):c.1128C>G (p.Phe376Leu)

Gene: PKP2 (plakophilin 2; minus strand). Cytogenetic location: 12p11.21.
Variant type: single nucleotide variant.
Coding change: c.1128C>G on transcript NM_001005242.3 (MANE Select); coding-DNA position 1128, C replaced by G.
Protein change: p.Phe376Leu; replaces phenylalanine 376 with leucine.
Molecular consequence: missense variant.
Genome position (GRCh38, 1-based): chr12:32,868,969, G>C on the plus strand (C>G on the coding strand, the complement: PKP2 is on the minus strand). VCF-style: chr12-32868969-G-C. GRCh37 (hg19) VCF-style: chr12-33021903-G-C.
Other names: c.1128C>G, p.Phe376Leu (NM_004572.4, NM_001407155.1, NM_001407156.1 and 2 more transcripts); c.801C>G, p.Phe267Leu (NM_001407158.1, NM_001407159.1, NM_001407160.1 and 1 more transcripts); short protein forms F267L, F376L.
Identifiers: ClinVar variation 3387488 (VCV003387488.1).

ClinVar aggregate classification (germline): Uncertain significance (1 of 4 stars; one submission).

Conditions:
Arrhythmogenic right ventricular cardiomyopathy (ARVD). Also called: Arrhythmogenic right ventricular dysplasia; Cardiomyopathy, ARVC; Arrhythmogenic cardiomyopathy; Arrhythmogenic Right Ventricular Cardiomyopathy (ARVC). Identifiers: Orphanet 247, MedGen C0349788, MeSH D019571, MONDO:0016587. Disease mechanism: loss of function. Inheritance: Various modes of inheritance.

Submission:

All of Us Research Program, National Institutes of Health
Classification: Uncertain significance for Arrhythmogenic right ventricular cardiomyopathy. Last evaluated: 2024-05-30. Review status: criteria provided, single submitter. Criteria: ACMG Guidelines, 2015. Collection method: clinical testing. Allele origin: germline. Inheritance: Autosomal dominant inheritance. Observed: 1 variant allele, 1 heterozygote.
Comment: This missense variant replaces phenylalanine with leucine at codon 376 of the PKP2 protein. Computational prediction suggests that this variant may not impact protein structure and function (internally defined REVEL score threshold <= 0.5, PMID: 27666373). To our knowledge, functional studies have not been reported for this variant. This variant has not been reported in individuals affected with PKP2-related disorders in the literature. This variant has not been identified in the general population by the Genome Aggregation Database (gnomAD). The available evidence is insufficient to determine the role of this variant in disease conclusively. Therefore, this variant is classified as a Variant of Uncertain Significance.

This study involves interpretation of variants in research participants for the purpose of population health screening. Participant phenotype was not available at the time of variant classification. Additional details can be found in publication PMID: 35346344, PMCID: PMC8962531